The following is an entry in ClinVar:

NM_001205293.3(CACNA1E):c.6670C>T (p.Pro2224Ser)

Gene: CACNA1E (calcium voltage-gated channel subunit alpha1 E; plus strand). Cytogenetic location: 1q25.3.
Variant type: single nucleotide variant.
Coding change: c.6670C>T on transcript NM_001205293.3 (MANE Select); coding-DNA position 6670, C replaced by T.
Protein change: p.Pro2224Ser; replaces proline 2224 with serine.
Molecular consequence: missense variant.
Genome position (GRCh38, 1-based): chr1:181,798,562, C>T. VCF-style: chr1-181798562-C-T. GRCh37 (hg19) VCF-style: chr1-181767698-C-T.
Other names: c.6541C>T, p.Pro2181Ser (NM_000721.4); c.6484C>T, p.Pro2162Ser (NM_001205294.2); short protein forms P2162S, P2181S, P2224S.
Identifiers: ClinVar variation 2708677 (VCV002708677.3), dbSNP rs1558407714, ClinGen allele CA343845269.

ClinVar aggregate classification (germline): Uncertain significance (1 of 4 stars; one submission).

Submission:

Labcorp Genetics (formerly Invitae), Labcorp
Classification: Uncertain significance. Last evaluated: 2024-01-10. Review status: criteria provided, single submitter. Criteria: Invitae Variant Classification Sherloc (09022015). Collection method: clinical testing. Allele origin: germline.
Comment: This sequence change replaces proline, which is neutral and non-polar, with serine, which is neutral and polar, at codon 2181 of the CACNA1E protein (p.Pro2181Ser). This variant is not present in population databases (gnomAD no frequency). This variant has not been reported in the literature in individuals affected with CACNA1E-related conditions. Advanced modeling of protein sequence and biophysical properties (such as structural, functional, and spatial information, amino acid conservation, physicochemical variation, residue mobility, and thermodynamic stability) performed at Invitae indicates that this missense variant is not expected to disrupt CACNA1E protein function with a negative predictive value of 95%. In summary, the available evidence is currently insufficient to determine the role of this variant in disease. Therefore, it has been classified as a Variant of Uncertain Significance.